The following is an entry in ClinVar:

ClinVar aggregate classification (germline): Benign/Likely benign. Review status: criteria provided, multiple submitters, no conflicts (2 of 4 stars). 7 submissions from 6 submitters: Benign (1); Likely benign (5). 1 of the submissions does not count toward it. Last evaluated 2026-07-01.

Conditions:
Salla disease (SD). Also called: Sialuria, Finnish type; N-acetylneuraminic acid (NANA) storage disease (NSD); Infantile sialic acid storage disorder (ISSD); Less Severe FSASD (Salla Disease). Identifiers: Orphanet 309334, Orphanet 834, MedGen C1096903, MONDO:0011449, OMIM 604369.
Sialic acid storage disease, severe infantile type (ISSD). Also called: Free sialic acid storage disease, infantile form; N-ACETYLNEURAMINIC ACID STORAGE DISEASE; NANA STORAGE DISEASE; SIALURIA, INFANTILE FORM; Infantile Sialic Acid Storage Disease; INFANTILE SIALIC ACID STORAGE DISORDER. Identifiers: Orphanet 309324, Orphanet 834, MedGen C1096902, MONDO:0010027, OMIM 269920.

Allele frequency attached by ClinVar (database versions not stated): 1000 Genomes Project 30x 0.00219; 1000 Genomes Project 0.00240; gnomAD 0.00403 and 0.00436; TOPMed 0.00420; gnomAD exomes 0.00461 and 0.00663; ExAC 0.00488; ESP Exome Variant Server 0.00507.
gnomAD v4.1: 10,230 of 1,613,694 alleles (0.63%); highest among the groups gnomAD compares: Non-Finnish European, 0.76%; 48 homozygotes.

Submissions (20):

CeGaT Center for Human Genetics Tuebingen
Classification: Likely benign. Last evaluated: 2026-07-01. Review status: criteria provided, single submitter. Criteria: CeGaT Center For Human Genetics Tuebingen Variant Classification Criteria Version 2. Collection method: clinical testing. Allele origin: germline. Affected: yes. Observed: 20 variant alleles.
Comment: SLC17A5: BP4, BS2

Labcorp Genetics (formerly Invitae), Labcorp
Classification: Likely benign for Salla disease. Last evaluated: 2026-02-02. Review status: criteria provided, single submitter. Criteria: Invitae Variant Classification Sherloc (09022015). Collection method: clinical testing. Allele origin: germline.

Mayo Clinic Laboratories, Mayo Clinic
Classification: Benign. Last evaluated: 2025-08-08. Review status: criteria provided, single submitter. Criteria: ACMG Guidelines, 2015. Collection method: clinical testing. Allele origin: germline. Observed: 11 variant alleles.
Comment: BS1, BS2, BP4, BP7

Illumina Laboratory Services, Illumina
Classification: Likely benign for Sialic acid storage disease, severe infantile type. Last evaluated: 2018-01-13. Review status: criteria provided, single submitter. Criteria: ICSL Variant Classification Criteria 13 December 2019. Collection method: clinical testing. Allele origin: germline.
Comment: This variant was observed in the ICSL laboratory as part of a predisposition screen in an ostensibly healthy population. It had not been previously curated by ICSL or reported in the Human Gene Mutation Database (HGMD: prior to June 1st, 2018), and was therefore a candidate for classification through an automated scoring system. Utilizing variant allele frequency, disease prevalence and penetrance estimates, and inheritance mode, an automated score was calculated to assess if this variant is too frequent to cause the disease. Based on the score and internal cut-off values, a variant classified as likely benign is not then subjected to further curation. The score for this variant resulted in a classification of likely benign for this disease.

Illumina Laboratory Services, Illumina
Classification: Likely benign for Salla disease. Last evaluated: 2018-01-13. Review status: criteria provided, single submitter. Criteria: ICSL Variant Classification Criteria 13 December 2019. Collection method: clinical testing. Allele origin: germline.
Comment: the same text as in the submission from Illumina Laboratory Services, Illumina above.

Breakthrough Genomics
Classification: Likely benign. Review status: criteria provided, single submitter. Criteria: ACMG Guidelines, 2015. Collection method: not provided. Allele origin: germline. Inheritance: Autosomal recessive inheritance. Affected: yes.

Natera, Inc.
Classification: Benign for Salla disease. Last evaluated: 2019-10-18. Review status: no assertion criteria provided. Collection method: clinical testing. Allele origin: germline. Not counted in ClinVar's aggregate classification.

Dr. Peter K. Rogan Lab, Western University
No classification provided (evidence only). Condition: Lung cancer. Review status: no classification provided. Collection method: in vitro. Allele origin: not applicable. Functional consequence: skipped exon. Not counted in ClinVar's aggregate classification.

Dr. Peter K. Rogan Lab, Western University
No classification provided (evidence only). Condition: Familial cancer of breast. Review status: no classification provided. Collection method: in vitro. Allele origin: not applicable. Functional consequence: retained intron. Not counted in ClinVar's aggregate classification.

Dr. Peter K. Rogan Lab, Western University
No classification provided (evidence only). Condition: Acute myeloid leukemia. Review status: no classification provided. Collection method: in vitro. Allele origin: not applicable. Functional consequence: retained intron. Not counted in ClinVar's aggregate classification.

Dr. Peter K. Rogan Lab, Western University
No classification provided (evidence only). Condition: Colon adenocarcinoma. Review status: no classification provided. Collection method: in vitro. Allele origin: not applicable. Functional consequence: skipped exon. Not counted in ClinVar's aggregate classification.

Dr. Peter K. Rogan Lab, Western University
No classification provided (evidence only). Condition: Colon adenocarcinoma. Review status: no classification provided. Collection method: in vitro. Allele origin: not applicable. Functional consequence: skipped exon. Not counted in ClinVar's aggregate classification.

Dr. Peter K. Rogan Lab, Western University
No classification provided (evidence only). Condition: Colorectal cancer. Review status: no classification provided. Collection method: in vitro. Allele origin: not applicable. Functional consequence: retained intron. Not counted in ClinVar's aggregate classification.

Dr. Peter K. Rogan Lab, Western University
No classification provided (evidence only). Condition: Cervical cancer. Review status: no classification provided. Collection method: in vitro. Allele origin: not applicable. Functional consequence: skipped exon. Not counted in ClinVar's aggregate classification.

Dr. Peter K. Rogan Lab, Western University
No classification provided (evidence only). Condition: Sarcoma. Review status: no classification provided. Collection method: in vitro. Allele origin: not applicable. Functional consequence: skipped exon. Not counted in ClinVar's aggregate classification.

Dr. Peter K. Rogan Lab, Western University
No classification provided (evidence only). Condition: Ovarian serous cystadenocarcinoma. Review status: no classification provided. Collection method: in vitro. Allele origin: not applicable. Functional consequence: retained intron. Not counted in ClinVar's aggregate classification.

Dr. Peter K. Rogan Lab, Western University
No classification provided (evidence only). Condition: Gastric cancer. Review status: no classification provided. Collection method: in vitro. Allele origin: not applicable. Functional consequence: retained intron. Not counted in ClinVar's aggregate classification.

Dr. Peter K. Rogan Lab, Western University
No classification provided (evidence only). Condition: Gastric cancer. Review status: no classification provided. Collection method: in vitro. Allele origin: not applicable. Functional consequence: skipped exon, retained intron. Not counted in ClinVar's aggregate classification.

Dr. Peter K. Rogan Lab, Western University
No classification provided (evidence only). Condition: Gastric cancer. Review status: no classification provided. Collection method: in vitro. Allele origin: not applicable. Functional consequence: skipped exon, retained intron. Not counted in ClinVar's aggregate classification.

Dr. Peter K. Rogan Lab, Western University
No classification provided (evidence only). Condition: Uterine carcinosarcoma. Review status: no classification provided. Collection method: in vitro. Allele origin: not applicable. Functional consequence: retained intron. Not counted in ClinVar's aggregate classification.

NM_012434.5(SLC17A5):c.820-3C>T

Gene: SLC17A5 (solute carrier family 17 member 5; minus strand). Cytogenetic location: 6q13.
Variant type: single nucleotide variant.
Coding change: c.820-3C>T on transcript NM_012434.5 (MANE Select); 3 bases into the intron before coding-DNA position 820, C replaced by T.
Molecular consequence: intron variant.
Genome position (GRCh38, 1-based): chr6:73,621,965, G>A on the plus strand (C>T on the coding strand, the complement: SLC17A5 is on the minus strand). VCF-style: chr6-73621965-G-A. GRCh37 (hg19) VCF-style: chr6-74331688-G-A.
Other names: p.?.
Identifiers: ClinVar variation 771862 (VCV000771862.49), dbSNP rs12201641, ClinGen allele CA3890411.